The following is an entry in ClinVar:

ClinVar aggregate classification (germline): Uncertain significance (1 of 4 stars; one submission).

Conditions:
ROBO2-related disorder. Also called: ROBO2-related condition.

gnomAD v4.1: 18 of 1,613,002 alleles (0.0011%); highest among the groups gnomAD compares: Non-Finnish European, 0.0014%; no homozygotes.

Submission:

PreventionGenetics, part of Exact Sciences
Classification: Uncertain significance for ROBO2-related condition. Last evaluated: 2026-03-03. Review status: criteria provided, single submitter. Criteria: ACMG Guidelines, 2015. Collection method: clinical testing. Allele origin: germline.
Comment: The ROBO2 c.1352C>T variant is predicted to result in the amino acid substitution p.Ala451Val. To our knowledge, this variant has not been reported in the literature. This variant is reported in 0.0065% of alleles in individuals of African descent in gnomAD. At this time, the clinical significance of this variant is uncertain due to the absence of conclusive functional and genetic evidence.

NM_001395656.1(ROBO2):c.1316C>T (p.Ala439Val)

Gene: ROBO2 (roundabout guidance receptor 2; plus strand). Cytogenetic location: 3p12.3.
Variant type: single nucleotide variant.
Coding change: c.1316C>T on transcript NM_001395656.1 (MANE Select); coding-DNA position 1316, C replaced by T.
Protein change: p.Ala439Val; replaces alanine 439 with valine.
Molecular consequence: missense variant. On other transcripts: 5 prime UTR variant (1).
Genome position (GRCh38, 1-based): chr3:77,558,016, C>T. VCF-style: chr3-77558016-C-T. GRCh37 (hg19) VCF-style: chr3-77607167-C-T.
Other names: c.1352C>T, p.Ala451Val (NM_001128929.3); c.1316C>T, p.Ala439Val (NM_001290039.2, NM_001290040.2, NM_001378202.1); c.-615C>T (NM_001290065.2); c.1364C>T, p.Ala455Val (NM_001378190.1, NM_001378191.1, NM_001378195.1 and 4 more transcripts); c.1385C>T, p.Ala462Val (NM_001378192.1, NM_001378194.1, NM_001378198.1 and 2 more transcripts); c.1304C>T, p.Ala435Val (NM_001378193.1, NM_001378197.1, NM_002942.5); c.1373C>T, p.Ala458Val (NM_001394212.1, NM_001394214.1, NM_001395657.1); short protein forms A458V, A451V, A455V, A435V, A439V, A462V.
Identifiers: ClinVar variation 4988605 (VCV004988605.1).
Genomic context (GRCh38, chr3:77,558,016, plus strand): 5'-GACCTCCACCTATAATTCTACAAGGCCCAGCCAACCAAACGCTGGCAGTGGATGGTACAG[C>T]GTTACTGAAATGTAAAGCCACTGGTGATCCTCTTCCTGTAATTAGCTGGTTAAAGGAGGG-3'
Protein context (NP_001382585.1, residues 429-449): ANQTLAVDGT[Ala439Val]LLKCKATGDP